The following is an entry in ClinVar:

NM_006361.6(HOXB13):c.140A>C (p.Asn47Thr)

Gene: HOXB13 (homeobox B13; minus strand). Cytogenetic location: 17q21.32.
Variant type: single nucleotide variant.
Coding change: c.140A>C on transcript NM_006361.6 (MANE Select); coding-DNA position 140, A replaced by C.
Protein change: p.Asn47Thr; replaces asparagine 47 with threonine.
Molecular consequence: missense variant.
Genome position (GRCh38, 1-based): chr17:48,728,454, T>G on the plus strand (A>C on the coding strand, the complement: HOXB13 is on the minus strand). VCF-style: chr17-48728454-T-G. GRCh37 (hg19) VCF-style: chr17-46805816-T-G.
Other names: short protein forms N47T.
Identifiers: ClinVar variation 4714673 (VCV004714673.1).

ClinVar aggregate classification (germline): Uncertain significance (1 of 4 stars; one submission).

Submission:

Labcorp Genetics (formerly Invitae), Labcorp
Classification: Uncertain significance. Last evaluated: 2025-03-09. Review status: criteria provided, single submitter. Criteria: Invitae Variant Classification Sherloc (09022015). Collection method: clinical testing. Allele origin: germline.
Comment: This sequence change replaces asparagine, which is neutral and polar, with threonine, which is neutral and polar, at codon 47 of the HOXB13 protein (p.Asn47Thr). This variant is not present in population databases (gnomAD no frequency). This variant has not been reported in the literature in individuals affected with HOXB13-related conditions. An algorithm developed to predict the effect of missense changes on protein structure and function (PolyPhen-2) suggests that this variant is likely to be tolerated. In summary, the available evidence is currently insufficient to determine the role of this variant in disease. Therefore, it has been classified as a Variant of Uncertain Significance.